The following is an entry in ClinVar:

NM_004963.4(GUCY2C):c.647del (p.Phe216fs)

Genes: GUCY2C (guanylate cyclase 2C; minus strand), GUCY2C-AS1 (GUCY2C antisense RNA 1; plus strand). Cytogenetic location: 12p12.3.
Variant type: Deletion.
Coding change: c.647del on transcript NM_004963.4 (MANE Select); coding-DNA position 647, one base deleted (T; older notation c.647delT).
Protein change: p.Phe216fs; shifts the reading frame from phenylalanine 216.
Molecular consequence: frameshift variant.
Genome position (GRCh38, 1-based): chr12:14,681,442, A deleted on the plus strand (T on the coding strand, the reverse complement: GUCY2C is on the minus strand); the first of 3 consecutive A bases (chr12:14,681,442-14,681,444); deleting any one gives the same sequence. VCF-style (leftmost placement, unchanged base first): chr12-14681441-GA-G. GRCh37 (hg19) VCF-style: chr12-14834375-GA-G.
Other names: short protein forms F216fs.
Identifiers: ClinVar variation 1911135 (VCV001911135.6), dbSNP rs2497795918, ClinGen allele CA2575087362.

ClinVar aggregate classification (germline): Conflicting classifications of pathogenicity. Review status: criteria provided, conflicting classifications (1 of 4 stars). 2 submissions from 2 submitters: Likely pathogenic (1); Uncertain significance (1). Last evaluated 2025-08-10.

Conditions:
GUCY2C-related disorders.

Submissions (2):

Labcorp Genetics (formerly Invitae), Labcorp
Classification: Uncertain significance. Last evaluated: 2025-08-10. Review status: criteria provided, single submitter. Criteria: Invitae Variant Classification Sherloc (09022015). Collection method: clinical testing. Allele origin: germline.
Comment: This sequence change creates a premature translational stop signal (p.Phe216Serfs*11) in the GUCY2C gene. It is expected to result in an absent or disrupted protein product. However, the current clinical and genetic evidence is not sufficient to establish whether loss-of-function variants in GUCY2C cause disease. This variant is not present in population databases (gnomAD no frequency). This variant has not been reported in the literature in individuals affected with GUCY2C-related conditions. ClinVar contains an entry for this variant (Variation ID: 1911135). In summary, the available evidence is currently insufficient to determine the role of this variant in disease. Therefore, it has been classified as a Variant of Uncertain Significance.

Blueprint Genetics
Classification: Likely pathogenic for GUCY2C-related disorders. Last evaluated: 2024-11-27. Review status: criteria provided, single submitter. Criteria: ACMG Guidelines, 2015. Collection method: clinical testing. Allele origin: germline. Affected: yes. Observed: 5 variant alleles.